The following is an entry in ClinVar:

NM_000038.6(APC):c.7711_7716del (p.Ser2571_Ser2572del)

Gene: APC (APC regulator of Wnt signaling pathway; plus strand). Cytogenetic location: 5q22.2.
Variant type: Deletion.
Coding change: c.7711_7716del on transcript NM_000038.6 (MANE Select); coding-DNA positions 7711 to 7716, 6 bases deleted (TCTTCA; older notation c.7711_7716delTCTTCA).
Protein change: p.Ser2571_Ser2572del.
Molecular consequence: inframe deletion.
Genome position (GRCh38, 1-based): chr5:112,843,305-112,843,310, TCTTCA deleted; deleting any 6 consecutive bases within chr5:112,843,301-112,843,310 gives the same sequence; the c. name uses the placement nearest the transcript's 3' end. VCF-style (leftmost placement, unchanged base first): chr5-112843300-GTTCATC-G. GRCh37 (hg19) VCF-style: chr5-112178997-GTTCATC-G.
Other names: c.7711_7716del (NM_000038.5); c.7711_7716del, p.Ser2571_Ser2572del (NM_001127510.3, NM_001354895.2); c.7657_7662del, p.Ser2553_Ser2554del (NM_001127511.3); c.7765_7770del, p.Ser2589_Ser2590del (NM_001354896.2); c.7741_7746del, p.Ser2581_Ser2582del (NM_001354897.2); c.7636_7641del, p.Ser2546_Ser2547del (NM_001354898.2); c.7627_7632del, p.Ser2543_Ser2544del (NM_001354899.2); c.7588_7593del, p.Ser2530_Ser2531del (NM_001354900.2); and 6 more.
Identifiers: ClinVar variation 470105 (VCV000470105.16), dbSNP rs760567682, ClinGen allele CA048994.

ClinVar aggregate classification (germline): Uncertain significance. Review status: criteria provided, multiple submitters, no conflicts (2 of 4 stars). 4 submissions from 4 submitters: Uncertain significance (4). Last evaluated 2025-02-06.

Conditions:
Hereditary cancer-predisposing syndrome. Also called: Hereditary neoplastic syndrome; Neoplastic Syndromes, Hereditary; Hereditary Cancer Syndrome; Tumor predisposition. Identifiers: Orphanet 140162, MedGen C0027672, MeSH D009386, MONDO:0015356.
Familial adenomatous polyposis 1 (FAP1). Also called: POLYPOSIS, ADENOMATOUS INTESTINAL; FAMILIAL ADENOMATOUS POLYPOSIS 1, ATTENUATED. Identifiers: MedGen C2713442, MONDO:0021056, OMIM 175100. Disease mechanism: loss of function.

Submissions (4):

Labcorp Genetics (formerly Invitae), Labcorp
Classification: Uncertain significance for Familial adenomatous polyposis 1. Last evaluated: 2025-02-06. Review status: criteria provided, single submitter. Criteria: Invitae Variant Classification Sherloc (09022015). Collection method: clinical testing. Allele origin: germline.
Comment: This variant, c.7711_7716del, results in the deletion of 2 amino acid(s) of the APC protein (p.Ser2571_Ser2572del), but otherwise preserves the integrity of the reading frame. This variant is present in population databases (rs760567682, gnomAD 0.0009%). This variant has not been reported in the literature in individuals affected with APC-related conditions. ClinVar contains an entry for this variant (Variation ID: 470105). Experimental studies and prediction algorithms are not available or were not evaluated, and the functional significance of this variant is currently unknown. In summary, the available evidence is currently insufficient to determine the role of this variant in disease. Therefore, it has been classified as a Variant of Uncertain Significance.

Ambry Genetics
Classification: Uncertain significance for Hereditary cancer-predisposing syndrome. Last evaluated: 2024-05-28. Review status: criteria provided, single submitter. Criteria: Ambry Variant Classification Scheme 2023. Collection method: clinical testing. Allele origin: germline.
Comment: The c.7711_7716delTCTTCA variant (also known as p.S2571_S2572del) is located in coding exon 15 of the APC gene. This variant results from an in-frame TCTTCA deletion at nucleotide positions 7711 to 7716. This results in the in-frame deletion of two serine residues at codons 2571 to 2572. This amino acid region is highly conserved in available vertebrate species. In addition, the in silico prediction for this alteration is inconclusive (Choi Y et al. PLoS ONE. 2012; 7(10):e46688). Based on the available evidence, the clinical significance of this variant remains unclear.

Blueprint Genetics
Classification: Uncertain significance. Last evaluated: 2022-06-28. Review status: criteria provided, single submitter. Criteria: ACMG Guidelines, 2015. Collection method: clinical testing. Allele origin: germline.

Color Diagnostics, LLC DBA Color Health
Classification: Uncertain significance for Hereditary cancer-predisposing syndrome. Last evaluated: 2018-11-27. Review status: criteria provided, single submitter. Criteria: ACMG Guidelines, 2015. Collection method: clinical testing. Allele origin: germline.